The following is an entry in ClinVar:

ClinVar aggregate classification (germline): Pathogenic. Review status: criteria provided, multiple submitters, no conflicts (2 of 4 stars). 3 submissions from 3 submitters: Pathogenic (2). 1 of the submissions does not count toward it. Last evaluated 2023-01-18.

Conditions:
Niemann-Pick disease, type A. Also called: SPHINGOMYELIN LIPIDOSIS; SPHINGOMYELINASE DEFICIENCY; Infantile Neurovisceral ASMD (Niemann-Pick Disease Type A; NPD-A). Identifiers: Orphanet 77292, MedGen C0268242, MONDO:0009756, OMIM 257200. Disease mechanism: loss of function.
Niemann-Pick disease, type B. Also called: Chronic Visceral ASMD (Niemann-Pick Disease Type B; NPD-B). Identifiers: Orphanet 77293, MedGen C0268243, MONDO:0011871, OMIM 607616. Disease mechanism: loss of function.

Allele frequency attached by ClinVar (database versions not stated): gnomAD exomes below 0.00001.

Submissions (3):

Baylor Genetics
Classification: Pathogenic for Niemann-Pick disease, type A. Last evaluated: 2023-01-18. Review status: criteria provided, single submitter. Criteria: ACMG Guidelines, 2015. Collection method: clinical testing. Allele origin: unknown.

Labcorp Genetics (formerly Invitae), Labcorp
Classification: Pathogenic for Niemann-Pick disease, type B; Niemann-Pick disease, type A. Last evaluated: 2021-06-29. Review status: criteria provided, single submitter. Criteria: Invitae Variant Classification Sherloc (09022015). Collection method: clinical testing. Allele origin: germline.
Comment: This variant has been observed in individual(s) with clinical features of Niemann-Pick disease type B (PMID: 12369017). ClinVar contains an entry for this variant (Variation ID: 554810). This variant is not present in population databases (ExAC no frequency). This sequence change creates a premature translational stop signal (p.Gln21*) in the SMPD1 gene. It is expected to result in an absent or disrupted protein product. Loss-of-function variants in SMPD1 are known to be pathogenic (PMID: 12369017, 15221801). For these reasons, this variant has been classified as Pathogenic.

Counsyl
Classification: Likely pathogenic for Niemann-Pick disease, type A. Last evaluated: 2017-11-03. Review status: no assertion criteria provided. Collection method: clinical testing. Allele origin: unknown. Not counted in ClinVar's aggregate classification.

Literature cited by the submitters: PubMed 12369017 (cited by Labcorp Genetics (formerly Invitae), Labcorp and Counsyl); PubMed 15221801 (cited by Labcorp Genetics (formerly Invitae), Labcorp); PubMed 27238910 (cited by Counsyl).

NM_000543.5(SMPD1):c.61C>T (p.Gln21Ter)

Genes: SMPD1 (sphingomyelin phosphodiesterase 1; plus strand), LOC130005193 (ATAC-STARR-seq lymphoblastoid silent region 3099; plus strand). Cytogenetic location: 11p15.4.
Variant type: single nucleotide variant.
Coding change: c.61C>T on transcript NM_000543.5 (MANE Select); coding-DNA position 61, C replaced by T.
Protein change: p.Gln21Ter; replaces glutamine 21 with a stop codon.
Molecular consequence: nonsense. On other transcripts: 5 prime UTR variant (1), non-coding transcript variant (2).
Genome position (GRCh38, 1-based): chr11:6,390,659, C>T. VCF-style: chr11-6390659-C-T. GRCh37 (hg19) VCF-style: chr11-6411889-C-T.
Other names: c.61C>T, p.Gln21Ter (NM_001007593.3, NM_001318087.2, NM_001365135.2); c.-901C>T (NM_001318088.2); short protein forms Q21*.
Identifiers: ClinVar variation 554810 (VCV000554810.11), dbSNP rs1554933751, ClinGen allele CA379366761.